The following is an entry in ClinVar:

ClinVar aggregate classification (germline): Likely pathogenic (1 of 4 stars; one submission).

Submission:

Labcorp Genetics (formerly Invitae), Labcorp
Classification: Likely pathogenic. Last evaluated: 2023-08-11. Review status: criteria provided, single submitter. Criteria: Invitae Variant Classification Sherloc (09022015). Collection method: clinical testing. Allele origin: germline.
Comment: In summary, the currently available evidence indicates that the variant is pathogenic, but additional data are needed to prove that conclusively. Therefore, this variant has been classified as Likely Pathogenic. Algorithms developed to predict the effect of sequence changes on RNA splicing suggest that this variant may disrupt the consensus splice site. This variant has not been reported in the literature in individuals affected with UNC80-related conditions. This variant is not present in population databases (gnomAD no frequency). This sequence change affects an acceptor splice site in intron 29 of the UNC80 gene. It is expected to disrupt RNA splicing. Variants that disrupt the donor or acceptor splice site typically lead to a loss of protein function (PMID: 16199547), and loss-of-function variants in UNC80 are known to be pathogenic (PMID: 26545877, 26708751, 26708753).

Literature cited by the submitters: PubMed 16199547; PubMed 26545877; PubMed 26708751; PubMed 26708753.

NM_001371986.1(UNC80):c.4891-1G>A

Gene: UNC80 (unc-80 subunit of NALCN channel complex; plus strand). Cytogenetic location: 2q34.
Variant type: single nucleotide variant.
Coding change: c.4891-1G>A on transcript NM_001371986.1 (MANE Select); the canonical splice acceptor site of the intron before coding-DNA position 4891, G replaced by A.
Molecular consequence: splice acceptor variant.
Genome position (GRCh38, 1-based): chr2:209,913,801, G>A. VCF-style: chr2-209913801-G-A. GRCh37 (hg19) VCF-style: chr2-210778525-G-A.
Other names: c.4693-1G>A (NM_032504.2); c.4678-1G>A (NM_182587.4).
Identifiers: ClinVar variation 2752208 (VCV002752208.3), dbSNP rs2471119004, ClinGen allele CA350756146.